The following is an entry in ClinVar:

ClinVar aggregate classification (germline): Uncertain significance. Review status: criteria provided, multiple submitters, no conflicts (2 of 4 stars). 3 submissions from 3 submitters: Uncertain significance (3). Last evaluated 2026-06-12.

Conditions:
Inborn genetic diseases. Identifiers: MedGen C0950123, MeSH D030342.
Vici syndrome (VICIS). Identifiers: Orphanet 1493, MedGen C1855772, MONDO:0009452, OMIM 242840.

Allele frequency attached by ClinVar (database versions not stated): 1000 Genomes Project 0.00020; 1000 Genomes Project 30x 0.00031; ESP Exome Variant Server 0.00016; ExAC 0.00003; TOPMed 0.00006.
gnomAD v4.1: 91 of 1,614,082 alleles (0.0056%); highest among the groups gnomAD compares: Admixed American, 0.012%; no homozygotes.

Submissions (3):

GeneDx
Classification: Uncertain significance. Last evaluated: 2026-06-12. Review status: criteria provided, single submitter. Criteria: GeneDx Variant Classification Process June 2021. Collection method: clinical testing. Allele origin: germline.
Comment: Not observed at significant frequency in large population cohorts (gnomAD); In silico analysis supports that this missense variant has a deleterious effect on protein structure/function; This variant is associated with the following publications: (PMID: 41053928)

Labcorp Genetics (formerly Invitae), Labcorp
Classification: Uncertain significance for Vici syndrome. Last evaluated: 2024-11-05. Review status: criteria provided, single submitter. Criteria: Invitae Variant Classification Sherloc (09022015). Collection method: clinical testing. Allele origin: germline.
Comment: This sequence change replaces arginine, which is basic and polar, with tryptophan, which is neutral and slightly polar, at codon 1501 of the EPG5 protein (p.Arg1501Trp). This variant is present in population databases (rs370776793, gnomAD 0.009%). This variant has not been reported in the literature in individuals affected with EPG5-related conditions. ClinVar contains an entry for this variant (Variation ID: 1045816). Invitae Evidence Modeling of protein sequence and biophysical properties (such as structural, functional, and spatial information, amino acid conservation, physicochemical variation, residue mobility, and thermodynamic stability) indicates that this missense variant is expected to disrupt EPG5 protein function with a positive predictive value of 80%. In summary, the available evidence is currently insufficient to determine the role of this variant in disease. Therefore, it has been classified as a Variant of Uncertain Significance.

Ambry Genetics
Classification: Uncertain significance for Inborn genetic diseases. Last evaluated: 2024-10-24. Review status: criteria provided, single submitter. Criteria: Ambry Variant Classification Scheme 2023. Collection method: clinical testing. Allele origin: germline.

NM_020964.3(EPG5):c.4501C>T (p.Arg1501Trp)

Gene: EPG5 (ectopic P-granules 5 autophagy tethering factor; minus strand). Cytogenetic location: 18q21.1.
Variant type: single nucleotide variant.
Coding change: c.4501C>T on transcript NM_020964.3 (MANE Select); coding-DNA position 4501, C replaced by T.
Protein change: p.Arg1501Trp; replaces arginine 1501 with tryptophan.
Molecular consequence: missense variant.
Genome position (GRCh38, 1-based): chr18:45,901,141, G>A on the plus strand (C>T on the coding strand, the complement: EPG5 is on the minus strand). VCF-style: chr18-45901141-G-A. GRCh37 (hg19) VCF-style: chr18-43481106-G-A.
Other names: c.4501C>T (NM_020964.2); short protein forms R1501W.
Identifiers: ClinVar variation 1045816 (VCV001045816.10), dbSNP rs370776793, ClinGen allele CA8948838.